The following is an entry in ClinVar:

NM_138393.4(REEP6):c.485C>T (p.Ala162Val)

Gene: REEP6 (receptor accessory protein 6; plus strand). Cytogenetic location: 19p13.3.
Variant type: single nucleotide variant.
Coding change: c.485C>T on transcript NM_138393.4 (MANE Select); coding-DNA position 485, C replaced by T.
Protein change: p.Ala162Val; replaces alanine 162 with valine.
Molecular consequence: missense variant.
Genome position (GRCh38, 1-based): chr19:1,496,421, C>T. VCF-style: chr19-1496421-C-T. GRCh37 (hg19) VCF-style: chr19-1496420-C-T.
Other names: c.485C>T, p.Ala162Val (NM_001329556.3); short protein forms A162V.
Identifiers: ClinVar variation 2103345 (VCV002103345.4), dbSNP rs2512807244, ClinGen allele CA402994236.

ClinVar aggregate classification (germline): Uncertain significance (1 of 4 stars; one submission).

Submission:

Labcorp Genetics (formerly Invitae), Labcorp
Classification: Uncertain significance. Last evaluated: 2022-04-12. Review status: criteria provided, single submitter. Criteria: Invitae Variant Classification Sherloc (09022015). Collection method: clinical testing. Allele origin: germline.
Comment: In summary, the available evidence is currently insufficient to determine the role of this variant in disease. Therefore, it has been classified as a Variant of Uncertain Significance. Experimental studies and prediction algorithms are not available or were not evaluated, and the functional significance of this variant is currently unknown. This variant has not been reported in the literature in individuals affected with REEP6-related conditions. This variant is not present in population databases (gnomAD no frequency). This sequence change replaces alanine, which is neutral and non-polar, with valine, which is neutral and non-polar, at codon 162 of the REEP6 protein (p.Ala162Val).